The following is an entry in ClinVar:

ClinVar aggregate classification (germline): Uncertain significance (1 of 4 stars; one submission).

Conditions:
Dilated cardiomyopathy 1Z (CMD1Z). Identifiers: Orphanet 154, MedGen C2678475, MONDO:0012745, OMIM 611879.
Hypertrophic cardiomyopathy 13. Also called: TNNC1-Related Familial Hypertrophic Cardiomyopathy. Identifiers: MedGen C2750472, MONDO:0013195, OMIM 613243.

Submission:

Labcorp Genetics (formerly Invitae), Labcorp
Classification: Uncertain significance for Hypertrophic cardiomyopathy 13; Dilated cardiomyopathy 1Z. Last evaluated: 2025-01-17. Review status: criteria provided, single submitter. Criteria: Invitae Variant Classification Sherloc (09022015). Collection method: clinical testing. Allele origin: germline.
Comment: This sequence change replaces aspartic acid, which is acidic and polar, with alanine, which is neutral and non-polar, at codon 139 of the TNNC1 protein (p.Asp139Ala). This variant is not present in population databases (gnomAD no frequency). This variant has not been reported in the literature in individuals affected with TNNC1-related conditions. ClinVar contains an entry for this variant (Variation ID: 1719900). An algorithm developed to predict the effect of missense changes on protein structure and function (PolyPhen-2) suggests that this variant is likely to be disruptive. In summary, the available evidence is currently insufficient to determine the role of this variant in disease. Therefore, it has been classified as a Variant of Uncertain Significance.

NM_003280.3(TNNC1):c.416A>C (p.Asp139Ala)

Gene: TNNC1 (troponin C1, slow skeletal and cardiac type; minus strand). Cytogenetic location: 3p21.1.
Variant type: single nucleotide variant.
Coding change: c.416A>C on transcript NM_003280.3 (MANE Select); coding-DNA position 416, A replaced by C.
Protein change: p.Asp139Ala; replaces aspartic acid 139 with alanine.
Molecular consequence: missense variant.
Genome position (GRCh38, 1-based): chr3:52,451,429, T>G on the plus strand (A>C on the coding strand, the complement: TNNC1 is on the minus strand). VCF-style: chr3-52451429-T-G. GRCh37 (hg19) VCF-style: chr3-52485445-T-G.
Other names: short protein forms D139A.
Identifiers: ClinVar variation 1719900 (VCV001719900.5), dbSNP rs2471443630, ClinGen allele CA353165223.
Genomic context (GRCh38, chr3:52,451,429, plus strand): 5'-ATCAGCCCACCCACCCGCTTACCATCATAGTCGATGCGGCCGTCGTTGTTCTTGTCTCCG[T>G]CCTTCATGAGCTCCTCGATGTCGTCCTCCGTGATGGTCTCGCCTGTAGCCTGCAGCATTA-3'
Protein context (NP_003271.1, residues 129-149): TEDDIEELMK[Asp139Ala]GDKNNDGRID